The following is an entry in ClinVar:

NM_017636.4(TRPM4):c.1912G>A (p.Ala638Thr)

Gene: TRPM4 (transient receptor potential cation channel subfamily M member 4; plus strand). Cytogenetic location: 19q13.33.
Variant type: single nucleotide variant.
Coding change: c.1912G>A on transcript NM_017636.4 (MANE Select); coding-DNA position 1912, G replaced by A.
Protein change: p.Ala638Thr; replaces alanine 638 with threonine.
Molecular consequence: missense variant.
Genome position (GRCh38, 1-based): chr19:49,188,984, G>A. VCF-style: chr19-49188984-G-A. GRCh37 (hg19) VCF-style: chr19-49692241-G-A.
Other names: c.1912G>A, p.Ala638Thr (NM_001195227.2); c.1567G>A, p.Ala523Thr (NM_001321281.2); c.304G>A, p.Ala102Thr (NM_001321282.2); c.1390G>A, p.Ala464Thr (NM_001321283.2); c.850G>A, p.Ala284Thr (NM_001321285.2); short protein forms A102T, A284T, A464T, A523T, A638T.
Identifiers: ClinVar variation 1782525 (VCV001782525.2), dbSNP rs2514143883, ClinGen allele CA406803735.

ClinVar aggregate classification (germline): Uncertain significance (1 of 4 stars; one submission).

Conditions:
Cardiovascular phenotype. Identifiers: MedGen CN230736.

Allele frequency attached by ClinVar (database versions not stated): gnomAD exomes below 0.00001.
gnomAD v4.1: 1 of 1,614,134 alleles (0.000062%); highest among the groups gnomAD compares: South Asian, 0.0011%; no homozygotes.

Submission:

Ambry Genetics
Classification: Uncertain significance for Cardiovascular phenotype. Last evaluated: 2019-06-20. Review status: criteria provided, single submitter. Criteria: Ambry Variant Classification Scheme 2023. Collection method: clinical testing. Allele origin: germline.
Comment: The p.A638T variant (also known as c.1912G>A), located in coding exon 14 of the TRPM4 gene, results from a G to A substitution at nucleotide position 1912. The alanine at codon 638 is replaced by threonine, an amino acid with similar properties. This amino acid position is not well conserved in available vertebrate species. In addition, the in silico prediction for this alteration is inconclusive. Since supporting evidence is limited at this time, the clinical significance of this alteration remains unclear.